The following is an entry in ClinVar:

ClinVar aggregate classification (germline): Conflicting classifications of pathogenicity. Review status: criteria provided, conflicting classifications (1 of 4 stars). 11 submissions from 11 submitters: Uncertain significance (7); Likely benign (3). 1 of the submissions does not count toward it. Last evaluated 2026-08-01.

Conditions:
ADGRV1-related disorder. Also called: ADGRV1-related condition; ADGRV1-related disorders.
Optic atrophy. Identifiers: MedGen C0029124, MONDO:0003608, HP:0000648.
Usher syndrome type 2C. Also called: Usher syndrome, type 2B; USHER SYNDROME, TYPE IIC. Identifiers: Orphanet 231178, Orphanet 886, MedGen C2931213, MONDO:0011558, OMIM 605472.
Febrile seizures, familial, 4 (FEB4). Also called: CONVULSIONS, FAMILIAL FEBRILE, 4. Identifiers: MedGen C1858493, MONDO:0011443, OMIM 604352.

Allele frequency attached by ClinVar (database versions not stated): 1000 Genomes Project 30x 0.00031; gnomAD 0.00047 and 0.00049; gnomAD exomes 0.00058 and 0.00081; TOPMed 0.00059; ExAC 0.00066; ESP Exome Variant Server 0.00101.
gnomAD v4.1: 1,248 of 1,613,762 alleles (0.077%); highest among the groups gnomAD compares: Non-Finnish European, 0.096%; no homozygotes.

Submissions (11):

PreventionGenetics, part of Exact Sciences
Classification: Uncertain significance for ADGRV1-related condition. Last evaluated: 2026-08-01. Review status: criteria provided, single submitter. Criteria: ACMG Guidelines, 2015. Collection method: clinical testing. Allele origin: germline.
Comment: The ADGRV1 c.15169C>T variant is predicted to result in the amino acid substitution p.Pro5057Ser. To our knowledge, this variant has not been reported in the literature. This variant is reported in 0.091% of alleles in individuals of European (Non-Finnish) descent in gnomAD, which is likely too frequent to be a primary cause of disease. Although we suspect that this variant may be benign, at this time, the clinical significance of this variant is uncertain due to the absence of conclusive functional and genetic evidence.

Labcorp Genetics (formerly Invitae), Labcorp
Classification: Likely benign. Last evaluated: 2026-01-28. Review status: criteria provided, single submitter. Criteria: Invitae Variant Classification Sherloc (09022015). Collection method: clinical testing. Allele origin: germline.

Athena Diagnostics
Classification: Likely benign. Last evaluated: 2025-01-23. Review status: criteria provided, single submitter. Criteria: Athena Diagnostics Criteria. Collection method: clinical testing. Allele origin: unknown.
Comment: The frequency of this variant in the general population is higher than would generally be expected for pathogenic variants in this gene.

Blueprint Genetics
Classification: Uncertain significance. Last evaluated: 2024-11-08. Review status: criteria provided, single submitter. Criteria: ACMG Guidelines, 2015. Collection method: clinical testing. Allele origin: germline.

GeneDx
Classification: Likely benign. Last evaluated: 2020-02-13. Review status: criteria provided, single submitter. Criteria: GeneDx Variant Classification Process June 2021. Collection method: clinical testing. Allele origin: germline. Affected: yes.

Laboratory for Molecular Medicine, Mass General Brigham Personalized Medicine
Classification: Uncertain significance. Last evaluated: 2019-09-13. Review status: criteria provided, single submitter. Criteria: LMM Criteria. Collection method: clinical testing. Allele origin: germline. Observed: 3 variant alleles.
Comment: Variant classified as Uncertain Significance - Favor Benign. The p.Pro5057Ser variant in ADGRV1 has been previously reported in 2 individuals with hearing loss by our laboratory, including 1 who was compound heterozygous for a second variant of uncertain significance in ADGRV1. This variant has been identified in 0.09% (117/128212) of European chromosomes by gnomAD. Computational prediction tools and conservation analyses do not provide strong support for or against an impact to the protein. In summary, while the clinical significance of this variant is uncertain, its frequency suggests that it is more likely to be benign. ACMG/AMP Criteria applied: BS1_Supporting.

Knight Diagnostic Laboratories, Oregon Health and Sciences University
Classification: Uncertain significance. Last evaluated: 2019-07-03. Review status: criteria provided, single submitter. Criteria: ACMG Guidelines, 2015. Collection method: clinical testing. Allele origin: germline. Observed: 1 variant allele.

Fulgent Genetics
Classification: Uncertain significance for Febrile seizures, familial, 4; Usher syndrome type 2C. Last evaluated: 2018-10-31. Review status: criteria provided, single submitter. Criteria: ACMG Guidelines, 2015. Collection method: clinical testing. Allele origin: unknown.

Illumina Laboratory Services, Illumina
Classification: Uncertain significance for Usher syndrome type 2C. Last evaluated: 2018-01-12. Review status: criteria provided, single submitter. Criteria: ICSL Variant Classification Criteria 13 December 2019. Collection method: clinical testing. Allele origin: germline.

Eurofins Ntd Llc (ga)
Classification: Uncertain significance. Last evaluated: 2016-01-26. Review status: criteria provided, single submitter. Criteria: EGL Classification Definitions 2015. Collection method: clinical testing. Allele origin: germline. Observed: 1 variant allele, 1 heterozygote.

Institute of Human Genetics, Univ. Regensburg, Univ. Regensburg
Classification: Uncertain significance for Optic atrophy. Last evaluated: 2022-01-01. Review status: no assertion criteria provided. Criteria: ACMG Guidelines, 2015. Collection method: clinical testing. Allele origin: germline. Affected: yes. Not counted in ClinVar's aggregate classification.

NM_032119.4(ADGRV1):c.15169C>T (p.Pro5057Ser)

Gene: ADGRV1 (adhesion G protein-coupled receptor V1; plus strand). Cytogenetic location: 5q14.3.
Variant type: single nucleotide variant.
Coding change: c.15169C>T on transcript NM_032119.4 (MANE Select); coding-DNA position 15169, C replaced by T.
Protein change: p.Pro5057Ser; replaces proline 5057 with serine.
Molecular consequence: missense variant. On other transcripts: non-coding transcript variant (1).
Genome position (GRCh38, 1-based): chr5:90,810,429, C>T. VCF-style: chr5-90810429-C-T. GRCh37 (hg19) VCF-style: chr5-90106246-C-T.
Other names: short protein forms P5057S.
Identifiers: ClinVar variation 285387 (VCV000285387.29), dbSNP rs183633457, ClinGen allele CA3341876.